The following is an entry in ClinVar:

NM_000138.5(FBN1):c.7839C>T (p.Ser2613=)

Gene: FBN1 (fibrillin 1; minus strand). Cytogenetic location: 15q21.1.
Variant type: single nucleotide variant.
Coding change: c.7839C>T on transcript NM_000138.5 (MANE Select); coding-DNA position 7839, C replaced by T.
Protein change: p.Ser2613=; no amino-acid change (serine 2613 retained).
Molecular consequence: synonymous variant.
Genome position (GRCh38, 1-based): chr15:48,415,748, G>A on the plus strand (C>T on the coding strand, the complement: FBN1 is on the minus strand). VCF-style: chr15-48415748-G-A. GRCh37 (hg19) VCF-style: chr15-48707945-G-A.
Identifiers: ClinVar variation 36121 (VCV000036121.17), dbSNP rs193922238, ClinGen allele CA017408.

ClinVar aggregate classification (germline): Likely benign. Review status: criteria provided, multiple submitters, no conflicts (2 of 4 stars). 6 submissions from 6 submitters: Likely benign (6). Last evaluated 2025-10-05.

Conditions:
Familial thoracic aortic aneurysm and aortic dissection (TAAD). Also called: Thoracic aortic aneurysms and dissections. Identifiers: Orphanet 91387, MedGen C4707243, MONDO:0019625.
Marfan syndrome (MFS). Also called: MARFAN SYNDROME, TYPE I; Marfan syndrome, classic; FBN1-Related Marfan Syndrome; Marfan syndrome type 1; Marfan's syndrome. Identifiers: Orphanet 284963, Orphanet 558, MedGen C0024796, MONDO:0007947, OMIM 154700.

Allele frequency attached by ClinVar (database versions not stated): ExAC 0.00004; gnomAD exomes 0.00002 and 0.00006; gnomAD 0.00001; TOPMed 0.00006.
gnomAD v4.1: 32 of 1,614,012 alleles (0.002%); highest among the groups gnomAD compares: Admixed American, 0.02%; 1 homozygote.

Submissions (6):

Ambry Genetics
Classification: Likely benign for Familial thoracic aortic aneurysm and aortic dissection. Last evaluated: 2025-10-05. Review status: criteria provided, single submitter. Criteria: Ambry Variant Classification Scheme 2023. Collection method: clinical testing. Allele origin: germline.

Labcorp Genetics (formerly Invitae), Labcorp
Classification: Likely benign for Marfan syndrome; Familial thoracic aortic aneurysm and aortic dissection. Last evaluated: 2025-09-10. Review status: criteria provided, single submitter. Criteria: Invitae Variant Classification Sherloc (09022015). Collection method: clinical testing. Allele origin: germline.

All of Us Research Program, National Institutes of Health
Classification: Likely benign for Marfan syndrome. Last evaluated: 2023-12-18. Review status: criteria provided, single submitter. Criteria: ACMG Guidelines, 2015. Collection method: clinical testing. Allele origin: germline. Inheritance: Autosomal dominant inheritance. Observed: 4 variant alleles, 4 heterozygotes.
Comment: This study involves interpretation of variants in research participants for the purpose of population health screening. Participant phenotype was not available at the time of variant classification. Additional details can be found in publication PMID: 35346344, PMCID: PMC8962531

GeneDx
Classification: Likely benign. Last evaluated: 2020-12-02. Review status: criteria provided, single submitter. Criteria: GeneDx Variant Classification Process June 2021. Collection method: clinical testing. Allele origin: germline. Affected: yes.

Color Diagnostics, LLC DBA Color Health
Classification: Likely benign for Familial thoracic aortic aneurysm and aortic dissection. Last evaluated: 2019-11-13. Review status: criteria provided, single submitter. Criteria: ACMG Guidelines, 2015. Collection method: clinical testing. Allele origin: germline.

Women's Health and Genetics/Laboratory Corporation of America, LabCorp
Classification: Likely benign for Marfan Syndrome. Last evaluated: 2011-08-18. Review status: criteria provided, single submitter. Criteria: LabCorp Variant Classification Summary - May 2015. Collection method: curation, clinical testing. Allele origin: germline. Inheritance: autosomal unknown. Affected: yes.
ClinVar note: Converted during submission from likely benign to Likely benign.